The following is an entry in ClinVar:

NM_003482.4(KMT2D):c.4880A>C (p.Glu1627Ala)

Gene: KMT2D (lysine methyltransferase 2D; minus strand). Cytogenetic location: 12q13.12.
Variant type: single nucleotide variant.
Coding change: c.4880A>C on transcript NM_003482.4 (MANE Select); coding-DNA position 4880, A replaced by C.
Protein change: p.Glu1627Ala; replaces glutamic acid 1627 with alanine.
Molecular consequence: missense variant.
Genome position (GRCh38, 1-based): chr12:49,044,827, T>G on the plus strand (A>C on the coding strand, the complement: KMT2D is on the minus strand). VCF-style: chr12-49044827-T-G. GRCh37 (hg19) VCF-style: chr12-49438610-T-G.
Other names: short protein forms E1627A.
Identifiers: ClinVar variation 2782244 (VCV002782244.3), dbSNP rs2120588289, ClinGen allele CA384640256.

ClinVar aggregate classification (germline): Uncertain significance (1 of 4 stars; one submission).

Conditions:
Kabuki syndrome. Also called: NIIKAWA-KUROKI SYNDROME; Kabuki make-up syndrome. Identifiers: Orphanet 2322, MedGen C0796004, MONDO:0016512.

Submission:

Labcorp Genetics (formerly Invitae), Labcorp
Classification: Uncertain significance for Kabuki syndrome. Last evaluated: 2023-08-03. Review status: criteria provided, single submitter. Criteria: Invitae Variant Classification Sherloc (09022015). Collection method: clinical testing. Allele origin: germline.
Comment: In summary, the available evidence is currently insufficient to determine the role of this variant in disease. Therefore, it has been classified as a Variant of Uncertain Significance. Advanced modeling of protein sequence and biophysical properties (such as structural, functional, and spatial information, amino acid conservation, physicochemical variation, residue mobility, and thermodynamic stability) performed at Invitae indicates that this missense variant is not expected to disrupt KMT2D protein function. This variant has not been reported in the literature in individuals affected with KMT2D-related conditions. This variant is not present in population databases (gnomAD no frequency). This sequence change replaces glutamic acid, which is acidic and polar, with alanine, which is neutral and non-polar, at codon 1627 of the KMT2D protein (p.Glu1627Ala).